The following is an entry in ClinVar:

ClinVar aggregate classification (germline): Uncertain significance (1 of 4 stars; one submission).

Conditions:
Hajdu-Cheney syndrome (HJCYS). Also called: ACROOSTEOLYSIS WITH OSTEOPOROSIS AND CHANGES IN SKULL AND MANDIBLE; SERPENTINE FIBULA-POLYCYSTIC KIDNEY SYNDROME; Acroosteolysis dominant type. Identifiers: Orphanet 955, MedGen C0917715, MONDO:0007057, OMIM 102500.

Submission:

Labcorp Genetics (formerly Invitae), Labcorp
Classification: Uncertain significance for Hajdu-Cheney syndrome. Last evaluated: 2022-06-14. Review status: criteria provided, single submitter. Criteria: Invitae Variant Classification Sherloc (09022015). Collection method: clinical testing. Allele origin: germline.
Comment: In summary, the available evidence is currently insufficient to determine the role of this variant in disease. Therefore, it has been classified as a Variant of Uncertain Significance. Advanced modeling of protein sequence and biophysical properties (such as structural, functional, and spatial information, amino acid conservation, physicochemical variation, residue mobility, and thermodynamic stability) performed at Invitae indicates that this missense variant is expected to disrupt NOTCH2 protein function. This variant has not been reported in the literature in individuals affected with NOTCH2-related conditions. This variant is not present in population databases (gnomAD no frequency). This sequence change replaces arginine, which is basic and polar, with leucine, which is neutral and non-polar, at codon 1727 of the NOTCH2 protein (p.Arg1727Leu).

NM_024408.4(NOTCH2):c.5180G>T (p.Arg1727Leu)

Gene: NOTCH2 (notch receptor 2; minus strand). Cytogenetic location: 1p12.
Variant type: single nucleotide variant.
Coding change: c.5180G>T on transcript NM_024408.4 (MANE Select); coding-DNA position 5180, G replaced by T.
Protein change: p.Arg1727Leu; replaces arginine 1727 with leucine.
Molecular consequence: missense variant.
Genome position (GRCh38, 1-based): chr1:119,922,269, C>A on the plus strand (G>T on the coding strand, the complement: NOTCH2 is on the minus strand). VCF-style: chr1-119922269-C-A. GRCh37 (hg19) VCF-style: chr1-120464892-C-A.
Other names: short protein forms R1727L.
Identifiers: ClinVar variation 2189326 (VCV002189326.4), dbSNP rs745954022, ClinGen allele CA341886720.